The following is an entry in ClinVar:

NM_005591.4(MRE11):c.1720del (p.Arg574fs)

Gene: MRE11 (MRE11 double strand break repair nuclease; minus strand). Cytogenetic location: 11q21.
Variant type: Deletion.
Coding change: c.1720del on transcript NM_005591.4 (MANE Select); coding-DNA position 1720, one base deleted (A; older notation c.1720delA).
Protein change: p.Arg574fs; shifts the reading frame from arginine 574.
Molecular consequence: frameshift variant.
Genome position (GRCh38, 1-based): chr11:94,447,282, T deleted on the plus strand (A on the coding strand, the reverse complement: MRE11 is on the minus strand); the first of 2 consecutive T bases (chr11:94,447,282-94,447,283); deleting either gives the same sequence. VCF-style (leftmost placement, unchanged base first): chr11-94447281-CT-C. GRCh37 (hg19) VCF-style: chr11-94180447-CT-C.
Other names: c.1720del, p.Arg574fs (NM_001330347.2, NM_005590.4); c.1720delA (NM_005591.3); short protein forms R574fs.
Identifiers: ClinVar variation 483632 (VCV000483632.5), dbSNP rs767787348, ClinGen allele CA6235012.

ClinVar aggregate classification (germline): Pathogenic (1 of 4 stars; one submission).

Conditions:
Hereditary cancer-predisposing syndrome. Also called: Neoplastic Syndromes, Hereditary; Tumor predisposition; Hereditary Cancer Syndrome; Hereditary neoplastic syndrome. Identifiers: Orphanet 140162, MedGen C0027672, MeSH D009386, MONDO:0015356.

Submission:

Ambry Genetics
Classification: Pathogenic for Hereditary cancer-predisposing syndrome. Last evaluated: 2016-11-01. Review status: criteria provided, single submitter. Criteria: Ambry Variant Classification Scheme 2023. Collection method: clinical testing. Allele origin: germline.
Comment: The c.1720delA pathogenic mutation, located in coding exon 14 of the MRE11A gene, results from a deletion of one nucleotide at nucleotide position 1720, causing a translational frameshift with a predicted alternate stop codon. This alteration is expected to result in loss of function by premature protein truncation or nonsense-mediated mRNA decay. As such, this alteration is interpreted as a disease-causing mutation.